The following is an entry in ClinVar:

ClinVar aggregate classification (germline): Uncertain significance. Review status: criteria provided, multiple submitters, no conflicts (2 of 4 stars). 3 submissions from 3 submitters: Uncertain significance (3). Last evaluated 2025-01-06.

Conditions:
Inborn genetic diseases. Identifiers: MedGen C0950123, MeSH D030342.
ALG12-congenital disorder of glycosylation (CDG1G). Also called: CDG Ig; ALG12-CDG; Congenital disorder of glycosylation, type Ig. Identifiers: Orphanet 79324, MedGen C2931001, MONDO:0011783, OMIM 607143.

Allele frequency attached by ClinVar (database versions not stated): gnomAD exomes 0.00006; ExAC 0.00010; gnomAD 0.00018 and 0.00019; 1000 Genomes Project 0.00020; TOPMed 0.00022; 1000 Genomes Project 30x 0.00031; ESP Exome Variant Server 0.00038.
gnomAD v4.1: 51 of 1,614,144 alleles (0.0032%); highest among the groups gnomAD compares: African/African-American, 0.065%; no homozygotes.

Submissions (3):

Labcorp Genetics (formerly Invitae), Labcorp
Classification: Uncertain significance for ALG12-congenital disorder of glycosylation. Last evaluated: 2025-01-06. Review status: criteria provided, single submitter. Criteria: Invitae Variant Classification Sherloc (09022015). Collection method: clinical testing. Allele origin: germline.
Comment: This sequence change replaces arginine, which is basic and polar, with serine, which is neutral and polar, at codon 413 of the ALG12 protein (p.Arg413Ser). This variant is present in population databases (rs142027212, gnomAD 0.08%). This variant has not been reported in the literature in individuals affected with ALG12-related conditions. ClinVar contains an entry for this variant (Variation ID: 1430380). An algorithm developed to predict the effect of missense changes on protein structure and function outputs the following: PolyPhen-2: "Benign". The serine amino acid residue is found in multiple mammalian species, which suggests that this missense change does not adversely affect protein function. In summary, the available evidence is currently insufficient to determine the role of this variant in disease. Therefore, it has been classified as a Variant of Uncertain Significance.

Ambry Genetics
Classification: Uncertain significance for Inborn genetic diseases. Last evaluated: 2023-12-28. Review status: criteria provided, single submitter. Criteria: Ambry Variant Classification Scheme 2023. Collection method: clinical testing. Allele origin: germline.

Greenwood Genetic Center Diagnostic Laboratories, Greenwood Genetic Center
Classification: Uncertain significance. Last evaluated: 2023-09-05. Review status: criteria provided, single submitter. Criteria: ACMG Guidelines, 2015. Collection method: clinical testing. Allele origin: germline. Affected: yes.
Comment: PM2, BP4

NM_024105.4(ALG12):c.1239G>C (p.Arg413Ser)

Gene: ALG12 (ALG12 alpha-1,6-mannosyltransferase; minus strand). Cytogenetic location: 22q13.33.
Variant type: single nucleotide variant.
Coding change: c.1239G>C on transcript NM_024105.4 (MANE Select); coding-DNA position 1239, G replaced by C.
Protein change: p.Arg413Ser; replaces arginine 413 with serine.
Molecular consequence: missense variant.
Genome position (GRCh38, 1-based): chr22:49,904,066, C>G on the plus strand (G>C on the coding strand, the complement: ALG12 is on the minus strand). VCF-style: chr22-49904066-C-G. GRCh37 (hg19) VCF-style: chr22-50297714-C-G.
Other names: c.1239G>C (NM_024105.3); short protein forms R413S.
Identifiers: ClinVar variation 1430380 (VCV001430380.7), dbSNP rs142027212, ClinGen allele CA10300265.